The following is an entry in ClinVar:

NM_000179.3(MSH6):c.3370A>G (p.Asn1124Asp)

Gene: MSH6 (mutS homolog 6; plus strand). Cytogenetic location: 2p16.3.
Variant type: single nucleotide variant.
Coding change: c.3370A>G on transcript NM_000179.3 (MANE Select); coding-DNA position 3370, A replaced by G.
Protein change: p.Asn1124Asp; replaces asparagine 1124 with aspartic acid.
Molecular consequence: missense variant.
Genome position (GRCh38, 1-based): chr2:47,803,617, A>G. VCF-style: chr2-47803617-A-G. GRCh37 (hg19) VCF-style: chr2-48030756-A-G.
Other names: c.2980A>G, p.Asn994Asp (NM_001281492.2); c.2464A>G, p.Asn822Asp (NM_001281493.2, NM_001281494.2); short protein forms N1124D, N822D, N994D.
Identifiers: ClinVar variation 823677 (VCV000823677.15), dbSNP rs1443258363, ClinGen allele CA346758799.

ClinVar aggregate classification (germline): Uncertain significance. Review status: criteria provided, multiple submitters, no conflicts (2 of 4 stars). 2 submissions from 2 submitters: Uncertain significance (2). Last evaluated 2025-03-13.

Conditions:
Hereditary cancer-predisposing syndrome. Also called: Neoplastic Syndromes, Hereditary; Tumor predisposition; Hereditary neoplastic syndrome; Hereditary Cancer Syndrome. Identifiers: Orphanet 140162, MedGen C0027672, MeSH D009386, MONDO:0015356.
Hereditary nonpolyposis colorectal neoplasms. Identifiers: MedGen C0009405, MeSH D003123.

Submissions (2):

Ambry Genetics
Classification: Uncertain significance for Hereditary cancer-predisposing syndrome. Last evaluated: 2025-03-13. Review status: criteria provided, single submitter. Criteria: Ambry Variant Classification Scheme 2023. Collection method: clinical testing. Allele origin: germline.
Comment: The p.N1124D variant (also known as c.3370A>G), located in coding exon 5 of the MSH6 gene, results from an A to G substitution at nucleotide position 3370. The asparagine at codon 1124 is replaced by aspartic acid, an amino acid with highly similar properties. This amino acid position is not well conserved in available vertebrate species. In addition, this alteration is predicted to be tolerated by in silico analysis. Based on the available evidence, the clinical significance of this variant remains unclear.

Labcorp Genetics (formerly Invitae), Labcorp
Classification: Uncertain significance for Hereditary nonpolyposis colorectal neoplasms. Last evaluated: 2019-09-02. Review status: criteria provided, single submitter. Criteria: Invitae Variant Classification Sherloc (09022015). Collection method: clinical testing. Allele origin: germline.
Comment: In summary, the available evidence is currently insufficient to determine the role of this variant in disease. Therefore, it has been classified as a Variant of Uncertain Significance. Algorithms developed to predict the effect of missense changes on protein structure and function output the following: SIFT: "Tolerated"; PolyPhen-2: "Benign"; Align-GVGD: "Class C0". The aspartic acid amino acid residue is found in multiple mammalian species, suggesting that this missense change does not adversely affect protein function. These predictions have not been confirmed by published functional studies and their clinical significance is uncertain. This variant has not been reported in the literature in individuals with MSH6-related conditions. This variant is not present in population databases (ExAC no frequency). This sequence change replaces asparagine with aspartic acid at codon 1124 of the MSH6 protein (p.Asn1124Asp). The asparagine residue is weakly conserved and there is a small physicochemical difference between asparagine and aspartic acid.